The following is an entry in ClinVar:

ClinVar aggregate classification (germline): not provided (0 of 4 stars; one submission).

Allele frequency attached by ClinVar (database versions not stated): gnomAD 0.00002 and 0.00003; TOPMed 0.00002.
gnomAD v4.1: 13 of 779,964 alleles (0.0017%); highest among the groups gnomAD compares: Admixed American, 0.014%; no homozygotes.

Submission:

Human Evolutionary Genetics, Institut Pasteur
No classification provided. Review status: no classification provided. Collection method: not provided. Allele origin: germline.
ClinVar note: Converted during submission from untested to not provided.

NM_001370466.1(NOD2):c.-8-2021T>C

Gene: NOD2 (nucleotide binding oligomerization domain containing 2; plus strand). Cytogenetic location: 16q12.1.
Variant type: single nucleotide variant.
Coding change: c.-8-2021T>C on transcript NM_001370466.1 (MANE Select); 2021 bases into the intron before 8 bases upstream of the start codon, T replaced by C.
Molecular consequence: intron variant.
Genome position (GRCh38, 1-based): chr16:50,697,467, T>C. VCF-style: chr16-50697467-T-C. GRCh37 (hg19) VCF-style: chr16-50731378-T-C.
Other names: c.73+151T>C (LRG_177t1, NM_022162.3).
Identifiers: ClinVar variation 103127 (VCV000103127.2), dbSNP rs199475911, ClinGen allele CA230158.